The following is an entry in ClinVar:

NM_001025356.3(ANO6):c.446A>G (p.Asn149Ser)

Gene: ANO6 (anoctamin 6; plus strand). Cytogenetic location: 12q12.
Variant type: single nucleotide variant.
Coding change: c.446A>G on transcript NM_001025356.3 (MANE Select); coding-DNA position 446, A replaced by G.
Protein change: p.Asn149Ser; replaces asparagine 149 with serine.
Molecular consequence: missense variant.
Genome position (GRCh38, 1-based): chr12:45,348,128, A>G. VCF-style: chr12-45348128-A-G. GRCh37 (hg19) VCF-style: chr12-45741911-A-G.
Other names: c.392A>G, p.Asn131Ser (NM_001142678.2); c.446A>G, p.Asn149Ser (NM_001142679.2); c.509A>G, p.Asn170Ser (NM_001204803.2); c.413A>G, p.Asn138Ser (NM_001410973.1); short protein forms N170S, N138S, N131S, N149S.
Identifiers: ClinVar variation 4111065 (VCV004111065.2).

ClinVar aggregate classification (germline): Uncertain significance. Review status: criteria provided, multiple submitters, no conflicts (2 of 4 stars). 2 submissions from 2 submitters: Uncertain significance (2). Last evaluated 2026-01-20.

Conditions:
Inborn genetic diseases. Identifiers: MedGen C0950123, MeSH D030342.

gnomAD v4.1: 64 of 1,614,010 alleles (0.004%); highest among the groups gnomAD compares: Non-Finnish European, 0.0034%; no homozygotes.

Submissions (2):

Labcorp Genetics (formerly Invitae), Labcorp
Classification: Uncertain significance. Last evaluated: 2026-01-20. Review status: criteria provided, single submitter. Criteria: Invitae Variant Classification Sherloc (09022015). Collection method: clinical testing. Allele origin: germline.
Comment: This sequence change replaces asparagine, which is neutral and polar, with serine, which is neutral and polar, at codon 149 of the ANO6 protein (p.Asn149Ser). This variant is present in population databases (rs747644058, gnomAD 0.03%). This variant has not been reported in the literature in individuals affected with ANO6-related conditions. ClinVar contains an entry for this variant (Variation ID: 4111065). Invitae Evidence Modeling of protein sequence and biophysical properties (such as structural, functional, and spatial information, amino acid conservation, physicochemical variation, residue mobility, and thermodynamic stability) indicates that this missense variant is not expected to disrupt ANO6 protein function with a negative predictive value of 95%. In summary, the available evidence is currently insufficient to determine the role of this variant in disease. Therefore, it has been classified as a Variant of Uncertain Significance.

Ambry Genetics
Classification: Uncertain significance for Inborn genetic diseases. Last evaluated: 2025-06-25. Review status: criteria provided, single submitter. Criteria: Ambry Variant Classification Scheme 2023. Collection method: clinical testing. Allele origin: germline.